The following is an entry in ClinVar:

NM_017849.4(TMEM127):c.154G>A (p.Ala52Thr)

Gene: TMEM127 (transmembrane protein 127; minus strand). Cytogenetic location: 2q11.2.
Variant type: single nucleotide variant.
Coding change: c.154G>A on transcript NM_017849.4 (MANE Select); coding-DNA position 154, G replaced by A.
Protein change: p.Ala52Thr; replaces alanine 52 with threonine.
Molecular consequence: missense variant.
Genome position (GRCh38, 1-based): chr2:96,265,228, C>T on the plus strand (G>A on the coding strand, the complement: TMEM127 is on the minus strand). VCF-style: chr2-96265228-C-T. GRCh37 (hg19) VCF-style: chr2-96930966-C-T.
Other names: c.154G>A, p.Ala52Thr (NM_001193304.3); short protein forms A52T.
Identifiers: ClinVar variation 649437 (VCV000649437.10), dbSNP rs767257269, ClinGen allele CA347656010.

ClinVar aggregate classification (germline): Uncertain significance. Review status: criteria provided, multiple submitters, no conflicts (2 of 4 stars). 2 submissions from 2 submitters: Uncertain significance (2). Last evaluated 2026-03-17.

Conditions:
Hereditary cancer-predisposing syndrome. Also called: Tumor predisposition; Hereditary Cancer Syndrome; Neoplastic Syndromes, Hereditary; Hereditary neoplastic syndrome. Identifiers: Orphanet 140162, MedGen C0027672, MeSH D009386, MONDO:0015356.
Hereditary pheochromocytoma and paraganglioma. Also called: Hereditary paragangliomas and pheochromocytomas; Hereditary pheochromocytoma-paraganglioma; Hereditary Paraganglioma-Pheochromocytoma Syndromes. Identifiers: Orphanet 29072, MedGen C4274332, MONDO:0017366.

Submissions (2):

Ambry Genetics
Classification: Uncertain significance for Hereditary cancer-predisposing syndrome. Last evaluated: 2026-03-17. Review status: criteria provided, single submitter. Criteria: Ambry Variant Classification Scheme 2023. Collection method: clinical testing. Allele origin: germline.

Labcorp Genetics (formerly Invitae), Labcorp
Classification: Uncertain significance for Hereditary pheochromocytoma and paraganglioma. Last evaluated: 2025-07-08. Review status: criteria provided, single submitter. Criteria: Invitae Variant Classification Sherloc (09022015). Collection method: clinical testing. Allele origin: germline.
Comment: This sequence change replaces alanine, which is neutral and non-polar, with threonine, which is neutral and polar, at codon 52 of the TMEM127 protein (p.Ala52Thr). This variant is not present in population databases (gnomAD no frequency). This variant has not been reported in the literature in individuals affected with TMEM127-related conditions. ClinVar contains an entry for this variant (Variation ID: 649437). An algorithm developed to predict the effect of missense changes on protein structure and function (PolyPhen-2) suggests that this variant is likely to be tolerated. In summary, the available evidence is currently insufficient to determine the role of this variant in disease. Therefore, it has been classified as a Variant of Uncertain Significance.